The following is an entry in ClinVar:

NM_019042.5(PUS7):c.411C>T (p.Phe137=)

Gene: PUS7 (pseudouridine synthase 7; minus strand). Cytogenetic location: 7q22.3.
Variant type: single nucleotide variant.
Coding change: c.411C>T on transcript NM_019042.5 (MANE Select); coding-DNA position 411, C replaced by T.
Protein change: p.Phe137=; no amino-acid change (phenylalanine 137 retained).
Molecular consequence: synonymous variant.
Genome position (GRCh38, 1-based): chr7:105,506,261, G>A on the plus strand (C>T on the coding strand, the complement: PUS7 is on the minus strand). VCF-style: chr7-105506261-G-A. GRCh37 (hg19) VCF-style: chr7-105146708-G-A.
Other names: c.411C>T, p.Phe137= (NM_001318163.1, NM_001318164.2).
Identifiers: ClinVar variation 1695207 (VCV001695207.31), dbSNP rs753851280, ClinGen allele CA4426195.

ClinVar aggregate classification (germline): Likely benign (1 of 4 stars; one submission).

Allele frequency attached by ClinVar (database versions not stated): gnomAD 0.00001 and 0.00002; TOPMed 0.00001; ExAC 0.00007; gnomAD exomes 0.00007.
gnomAD v4.1: 32 of 1,610,790 alleles (0.002%); highest among the groups gnomAD compares: Admixed American, 0.032%; no homozygotes.

Submission:

CeGaT Center for Human Genetics Tuebingen
Classification: Likely benign. Last evaluated: 2022-05-01. Review status: criteria provided, single submitter. Criteria: CeGaT Center For Human Genetics Tuebingen Variant Classification Criteria Version 2. Collection method: clinical testing. Allele origin: germline. Affected: yes. Observed: 1 variant allele.
Comment: PUS7: BP4, BP7